The following is an entry in ClinVar:

NM_020461.4(TUBGCP6):c.1074C>G (p.Asn358Lys)

Gene: TUBGCP6 (tubulin gamma complex component 6; minus strand). Cytogenetic location: 22q13.33.
Variant type: single nucleotide variant.
Coding change: c.1074C>G on transcript NM_020461.4 (MANE Select); coding-DNA position 1074, C replaced by G.
Protein change: p.Asn358Lys; replaces asparagine 358 with lysine.
Molecular consequence: missense variant.
Genome position (GRCh38, 1-based): chr22:50,233,358, G>C on the plus strand (C>G on the coding strand, the complement: TUBGCP6 is on the minus strand). VCF-style: chr22-50233358-G-C. GRCh37 (hg19) VCF-style: chr22-50671787-G-C.
Other names: short protein forms N358K.
Identifiers: ClinVar variation 1370060 (VCV001370060.8), dbSNP rs1201148701, ClinGen allele CA412109787.

ClinVar aggregate classification (germline): Uncertain significance (1 of 4 stars; one submission).

Submission:

Labcorp Genetics (formerly Invitae), Labcorp
Classification: Uncertain significance. Last evaluated: 2024-02-24. Review status: criteria provided, single submitter. Criteria: Invitae Variant Classification Sherloc (09022015). Collection method: clinical testing. Allele origin: germline.
Comment: This sequence change replaces asparagine, which is neutral and polar, with lysine, which is basic and polar, at codon 358 of the TUBGCP6 protein (p.Asn358Lys). This variant is not present in population databases (gnomAD no frequency). This variant has not been reported in the literature in individuals affected with TUBGCP6-related conditions. ClinVar contains an entry for this variant (Variation ID: 1370060). An algorithm developed to predict the effect of missense changes on protein structure and function (PolyPhen-2) suggests that this variant is likely to be disruptive. In summary, the available evidence is currently insufficient to determine the role of this variant in disease. Therefore, it has been classified as a Variant of Uncertain Significance.